The following is an entry in ClinVar:

NM_001844.5(COL2A1):c.2618G>A (p.Gly873Glu)

Gene: COL2A1 (collagen type II alpha 1 chain; minus strand). Cytogenetic location: 12q13.11.
Variant type: single nucleotide variant.
Coding change: c.2618G>A on transcript NM_001844.5 (MANE Select); coding-DNA position 2618, G replaced by A.
Protein change: p.Gly873Glu; replaces glycine 873 with glutamic acid.
Molecular consequence: missense variant.
Genome position (GRCh38, 1-based): chr12:47,980,561, C>T on the plus strand (G>A on the coding strand, the complement: COL2A1 is on the minus strand). VCF-style: chr12-47980561-C-T. GRCh37 (hg19) VCF-style: chr12-48374344-C-T.
Other names: c.2411G>A, p.Gly804Glu (NM_033150.3); short protein forms G873E, G804E.
Identifiers: ClinVar variation 280883 (VCV000280883.2), dbSNP rs886042009, ClinGen allele CA10603260.

ClinVar aggregate classification (germline): Pathogenic (1 of 4 stars; one submission).

Submission:

GeneDx
Classification: Pathogenic. Last evaluated: 2016-09-19. Review status: criteria provided, single submitter. Criteria: GeneDx Variant Classification (06012015). Collection method: clinical testing. Allele origin: germline. Affected: yes.
Comment: A novel G873E pathogenic variant was identified in the COL2A1 gene. It has not been published as a pathogenic variant, nor has it been reported as a benign variant to our knowledge. G873E occurs in the triple helical domain and replaces the Glycine in the canonical Gly-X-Y repeat. Mutations in these Glycines result in poor winding of the collagen triple helix and a less functional protein. The G873E variant was not observed in approximately 6500 individuals of European and African American ancestry in the NHLBI Exome Sequencing Project, indicating it is not a common benign variant in these populations. The G873E variant is a non-conservative amino acid substitution, which is likely to impact secondary protein structure as these residues differ in polarity, charge, size and/or other properties. This substitution occurs at a position that is conserved across species. In silico analysis predicts this variant is probably damaging to the protein structure/function. A missense variant at the same Glycine residue (G873R) and a missense variants in a nearby Glycine residues (G870E) has been reported in the Human Gene Mutation Database in association with a COL2A1-related dysplasia (Stenson et al., 2014), supporting the functional importance of this region of the protein.